The following is an entry in ClinVar:

NM_005120.3(MED12):c.6333G>A (p.Gln2111=)

Gene: MED12 (mediator complex subunit 12; plus strand). Cytogenetic location: Xq13.1.
Variant type: single nucleotide variant.
Coding change: c.6333G>A on transcript NM_005120.3 (MANE Select); coding-DNA position 6333, G replaced by A.
Protein change: p.Gln2111=; no amino-acid change (glutamine 2111 retained).
Molecular consequence: synonymous variant.
Genome position (GRCh38, 1-based): chrX:71,141,295, G>A. VCF-style: chrX-71141295-G-A. GRCh37 (hg19) VCF-style: chrX-70361145-G-A.
Identifiers: ClinVar variation 458834 (VCV000458834.13), dbSNP rs1556340108, ClinGen allele CA516728522.

ClinVar aggregate classification (germline): Likely benign. Review status: criteria provided, multiple submitters, no conflicts (2 of 4 stars). 2 submissions from 2 submitters: Likely benign (2). Last evaluated 2026-01-01.

Conditions:
FG syndrome (FGS). Identifiers: MedGen C0220769, MONDO:0002010.

Submissions (2):

CeGaT Center for Human Genetics Tuebingen
Classification: Likely benign. Last evaluated: 2026-01-01. Review status: criteria provided, single submitter. Criteria: CeGaT Center For Human Genetics Tuebingen Variant Classification Criteria Version 2. Collection method: clinical testing. Allele origin: germline. Affected: yes. Observed: 1 variant allele.
Comment: MED12: PM2:Supporting, BP4, BP7

Labcorp Genetics (formerly Invitae), Labcorp
Classification: Likely benign for FG syndrome. Last evaluated: 2017-07-16. Review status: criteria provided, single submitter. Criteria: Invitae Variant Classification Sherloc (09022015). Collection method: clinical testing. Allele origin: germline.